The following is an entry in ClinVar:

ClinVar aggregate classification (germline): Uncertain significance. Review status: criteria provided, multiple submitters, no conflicts (2 of 4 stars). 2 submissions from 2 submitters: Uncertain significance (2). Last evaluated 2023-09-13.

Conditions:
Primary ciliary dyskinesia 28. Also called: CILIARY DYSKINESIA, PRIMARY, 28, WITH OR WITHOUT SITUS INVERSUS. Identifiers: Orphanet 244, MedGen C3809706, MONDO:0014216, OMIM 615505.
Primary ciliary dyskinesia. Also called: Ciliary dyskinesia. Identifiers: Orphanet 244, MedGen C0008780, MONDO:0016575, HP:0012265.

gnomAD v4.1: 2 of 1,175,620 alleles (0.00017%); highest among the groups gnomAD compares: Non-Finnish European, 0.00021%; no homozygotes.

Submissions (2):

Ambry Genetics
Classification: Uncertain significance for Primary ciliary dyskinesia. Last evaluated: 2023-09-13. Review status: criteria provided, single submitter. Criteria: Ambry Variant Classification Scheme 2023. Collection method: clinical testing. Allele origin: germline.

Labcorp Genetics (formerly Invitae), Labcorp
Classification: Uncertain significance for Primary ciliary dyskinesia 28. Last evaluated: 2022-08-19. Review status: criteria provided, single submitter. Criteria: Invitae Variant Classification Sherloc (09022015). Collection method: clinical testing. Allele origin: germline.
Comment: This sequence change replaces alanine, which is neutral and non-polar, with valine, which is neutral and non-polar, at codon 424 of the SPAG1 protein (p.Ala424Val). This variant is not present in population databases (gnomAD no frequency). This variant has not been reported in the literature in individuals affected with SPAG1-related conditions. Algorithms developed to predict the effect of missense changes on protein structure and function (SIFT, PolyPhen-2, Align-GVGD) all suggest that this variant is likely to be tolerated. In summary, the available evidence is currently insufficient to determine the role of this variant in disease. Therefore, it has been classified as a Variant of Uncertain Significance.

NM_003114.5(SPAG1):c.1271C>T (p.Ala424Val)

Genes: SPAG1 (sperm associated antigen 1; plus strand), LOC130000832 (ATAC-STARR-seq lymphoblastoid silent region 19412; plus strand). Cytogenetic location: 8q22.2.
Variant type: single nucleotide variant.
Coding change: c.1271C>T on transcript NM_003114.5 (MANE Select); coding-DNA position 1271, C replaced by T.
Protein change: p.Ala424Val; replaces alanine 424 with valine.
Molecular consequence: missense variant.
Genome position (GRCh38, 1-based): chr8:100,213,264, C>T. VCF-style: chr8-100213264-C-T. GRCh37 (hg19) VCF-style: chr8-101225492-C-T.
Other names: c.1271C>T (NM_172218.2); c.1271C>T, p.Ala424Val (NM_001374321.1, NM_172218.3); short protein forms A424V.
Identifiers: ClinVar variation 2159493 (VCV002159493.6), dbSNP rs1586496414, ClinGen allele CA371809161.